The following is an entry in ClinVar:

ClinVar aggregate classification (germline): Uncertain significance (1 of 4 stars; one submission).

gnomAD v4.1: 5 of 1,540,640 alleles (0.00032%); highest among the groups gnomAD compares: East Asian, 0.0025%; no homozygotes.

Submission:

Labcorp Genetics (formerly Invitae), Labcorp
Classification: Uncertain significance. Last evaluated: 2021-06-13. Review status: criteria provided, single submitter. Criteria: Invitae Variant Classification Sherloc (09022015). Collection method: clinical testing. Allele origin: germline.
Comment: This sequence change replaces proline with alanine at codon 33 of the COL9A3 protein (p.Pro33Ala). The proline residue is highly conserved and there is a small physicochemical difference between proline and alanine. The frequency data for this variant in the population databases is considered unreliable, as metrics indicate insufficient coverage at this position in the ExAC database. This variant has not been reported in the literature in individuals with COL9A3-related conditions. Advanced modeling of protein sequence and biophysical properties (such as structural, functional, and spatial information, amino acid conservation, physicochemical variation, residue mobility, and thermodynamic stability) performed at Invitae indicates that this missense variant is not expected to disrupt COL9A3 protein function. In summary, the available evidence is currently insufficient to determine the role of this variant in disease. Therefore, it has been classified as a Variant of Uncertain Significance.

NM_001853.4(COL9A3):c.97C>G (p.Pro33Ala)

Gene: COL9A3 (collagen type IX alpha 3 chain; plus strand). Cytogenetic location: 20q13.33.
Variant type: single nucleotide variant.
Coding change: c.97C>G on transcript NM_001853.4 (MANE Select); coding-DNA position 97, C replaced by G.
Protein change: p.Pro33Ala; replaces proline 33 with alanine.
Molecular consequence: missense variant.
Genome position (GRCh38, 1-based): chr20:62,817,585, C>G. VCF-style: chr20-62817585-C-G. GRCh37 (hg19) VCF-style: chr20-61448937-C-G.
Other names: short protein forms P33A.
Identifiers: ClinVar variation 1512599 (VCV001512599.6), dbSNP rs745914662, ClinGen allele CA409587089.